The following is an entry in ClinVar:

ClinVar aggregate classification (germline): Uncertain significance (1 of 4 stars; one submission).

Submission:

GeneDx
Classification: Uncertain significance. Last evaluated: 2025-08-02. Review status: criteria provided, single submitter. Criteria: GeneDx Variant Classification Process June 2021. Collection method: clinical testing. Allele origin: germline. Affected: yes.
Comment: Not observed at significant frequency in large population cohorts (gnomAD); In silico analysis supports that this missense variant has a deleterious effect on protein structure/function; Has not been previously published as pathogenic or benign to our knowledge

NM_001458.5(FLNC):c.137G>T (p.Cys46Phe)

Gene: FLNC (filamin C; plus strand). Cytogenetic location: 7q32.1.
Variant type: single nucleotide variant.
Coding change: c.137G>T on transcript NM_001458.5 (MANE Select); coding-DNA position 137, G replaced by T.
Protein change: p.Cys46Phe; replaces cysteine 46 with phenylalanine.
Molecular consequence: missense variant.
Genome position (GRCh38, 1-based): chr7:128,830,774, G>T. VCF-style: chr7-128830774-G-T. GRCh37 (hg19) VCF-style: chr7-128470828-G-T.
Other names: c.137G>T, p.Cys46Phe (NM_001127487.2); short protein forms C46F.
Identifiers: ClinVar variation 4690088 (VCV004690088.1).